The following is an entry in ClinVar:

NM_005879.3(TRAIP):c.66_81dup (p.Thr28fs)

Gene: TRAIP (TRAF interacting protein; minus strand). Cytogenetic location: 3p21.31.
Variant type: Duplication.
Coding change: c.66_81dup on transcript NM_005879.3 (MANE Select); coding-DNA positions 66 to 81, 16 bases duplicated (CATCCACTGCGGCCAC).
Protein change: p.Thr28fs; shifts the reading frame from threonine 28.
Molecular consequence: frameshift variant.
Genome position (GRCh38, 1-based): chr3:49,856,373-49,856,388, GTGGCCGCAGTGGATG duplicated on the plus strand (CATCCACTGCGGCCAC on the coding strand, the reverse complement: TRAIP is on the minus strand); duplicating any 16 consecutive bases within chr3:49,856,373-49,856,389 gives the same sequence; the c. name uses the placement nearest the transcript's 3' end. VCF-style (leftmost placement, unchanged base first): chr3-49856372-T-TGTGGCCGCAGTGGATG. GRCh37 (hg19) VCF-style: chr3-49893805-T-TGTGGCCGCAGTGGATG.
Other names: short protein forms T28fs.
Identifiers: ClinVar variation 2810768 (VCV002810768.3), dbSNP rs2544988908, ClinGen allele CA2739278956.
Genomic context (GRCh38, chr3:49,856,372, plus strand): 5'-CGGTACCCGGGCAAACACCGGGCCCCAACACTGCAGTCACTCACCACTGCAAGTGGAAGG[T>TGTGGCCGCAGTGGATG]GTGGCCGCAGTGGATGGCGGCCACGTCGCGGGAGTGATCGAAGAAGTCGGAGCAGATAGT-3'

ClinVar aggregate classification (germline): Pathogenic (1 of 4 stars; one submission).

Submission:

Labcorp Genetics (formerly Invitae), Labcorp
Classification: Pathogenic. Last evaluated: 2024-12-16. Review status: criteria provided, single submitter. Criteria: Invitae Variant Classification Sherloc (09022015). Collection method: clinical testing. Allele origin: germline.
Comment: This sequence change creates a premature translational stop signal (p.Thr28Hisfs*17) in the TRAIP gene. It is expected to result in an absent or disrupted protein product. Loss-of-function variants in TRAIP are known to be pathogenic (PMID: 26595769, 31974414). This variant is not present in population databases (gnomAD no frequency). This variant has not been reported in the literature in individuals affected with TRAIP-related conditions. ClinVar contains an entry for this variant (Variation ID: 2810768). For these reasons, this variant has been classified as Pathogenic.

Literature cited by the submitters: PubMed 26595769; PubMed 31974414.